The following is an entry in ClinVar:

ClinVar aggregate classification (germline): Uncertain significance (1 of 4 stars; one submission).

Conditions:
Myofibrillar myopathy 4. Also called: Zaspopathy (type). Identifiers: Orphanet 98912, MedGen C4721886, MONDO:0012277, OMIM 609452.

Submission:

Labcorp Genetics (formerly Invitae), Labcorp
Classification: Uncertain significance for Myofibrillar myopathy 4. Last evaluated: 2023-05-17. Review status: criteria provided, single submitter. Criteria: Invitae Variant Classification Sherloc (09022015). Collection method: clinical testing. Allele origin: germline.
Comment: This sequence change results in a frameshift in the LDB3 gene (p.Ser283Alafs*27). While this is not anticipated to result in nonsense mediated decay, it is expected to disrupt the last 1 amino acid(s) of the LDB3 protein and extend the protein by 25 additional amino acid residues. In summary, the available evidence is currently insufficient to determine the role of this variant in disease. Therefore, it has been classified as a Variant of Uncertain Significance. Experimental studies and prediction algorithms are not available or were not evaluated, and the functional significance of this variant is currently unknown. This variant has not been reported in the literature in individuals affected with LDB3-related conditions. This variant is not present in population databases (gnomAD no frequency).

NM_001368067.1(LDB3):c.847del (p.Ser283fs)

Gene: LDB3 (LIM domain binding 3; plus strand). Cytogenetic location: 10q23.2.
Variant type: Deletion.
Coding change: c.847del on transcript NM_001368067.1 (MANE Plus Clinical); coding-DNA position 847, one base deleted (A; older notation c.847delA).
Protein change: p.Ser283fs; shifts the reading frame from serine 283.
Molecular consequence: frameshift variant. On other transcripts: intron variant (6).
Genome position (GRCh38, 1-based): chr10:86,699,369, A deleted; the last of 4 consecutive A bases (chr10:86,699,366-86,699,369); deleting any one gives the same sequence. VCF-style (leftmost placement, unchanged base first): chr10-86699365-TA-T. GRCh37 (hg19) VCF-style: chr10-88459122-TA-T.
Other names: c.1192del, p.Ser398fs (NM_001171611.2); c.988del, p.Ser330fs (NM_001368063.1, NM_001080115.2); c.847del, p.Ser283fs (NM_001368068.1, NM_001080116.1); c.896+6798del (NM_001368064.1, NM_007078.3, NM_001368065.1); c.1100+6798del (NM_001171610.2); c.755+6798del (NM_001368066.1, NM_001080114.2); short protein forms S283fs, S398fs, S330fs.
Identifiers: ClinVar variation 2865171 (VCV002865171.3), dbSNP rs2492729610, ClinGen allele CA2739275904.